The following is an entry in ClinVar:

ClinVar aggregate classification (germline): Likely pathogenic (1 of 4 stars; one submission).

Conditions:
Retinitis pigmentosa 12 (RP12). Also called: RP WITH OR WITHOUT PRESERVED PARAARTERIOLE RETINAL PIGMENT EPITHELIUM; RETINITIS PIGMENTOSA WITH OR WITHOUT PARAARTERIOLAR PRESERVATION OF RETINAL PIGMENT EPITHELIUM; RP WITH OR WITHOUT PPRPE. Identifiers: Orphanet 791, MedGen C1838647, MONDO:0010818, OMIM 600105.
Leber congenital amaurosis 8 (LCA8). Identifiers: Orphanet 65, MedGen C3151202, MONDO:0013453, OMIM 613835.

Submission:

Labcorp Genetics (formerly Invitae), Labcorp
Classification: Likely pathogenic for Leber congenital amaurosis 8; Retinitis pigmentosa 12. Last evaluated: 2022-09-09. Review status: criteria provided, single submitter. Criteria: Invitae Variant Classification Sherloc (09022015). Collection method: clinical testing. Allele origin: germline.
Comment: In summary, the currently available evidence indicates that the variant is pathogenic, but additional data are needed to prove that conclusively. Therefore, this variant has been classified as Likely Pathogenic. A similar copy number variant has been observed in individual(s) with clinical features of CRB1-related conditions (Invitae). This variant results in a copy number gain of the genomic region encompassing exon(s) 3-11 of the CRB1 gene. While the exact position of this variant cannot be determined from the data, sub-genic copy number gains are generally in tandem (PMID: 25640679). This variant is predicted to be out-of-frame, and may result in an absent or disrupted protein product. Loss-of-function variants in CRB1 are known to be pathogenic (PMID: 10508521, 22065545, 23379534, 25412400, 26957898, 28041643, 29391521).

Literature cited by the submitters: PubMed 25640679; PubMed 10508521; PubMed 22065545; PubMed 23379534; PubMed 25412400; PubMed 26957898; PubMed 28041643; PubMed 29391521.

NC_000001.10:g.(?_197313391)_(197411442_?)dup

Gene: CRB1 (crumbs cell polarity complex component 1; plus strand). Cytogenetic location: 1q31.3.
Variant type: Duplication.
Identifiers: ClinVar variation 2427682 (VCV002427682.4).